The following is an entry in ClinVar:

NM_001353921.2(ARHGEF9):c.368G>A (p.Arg123His)

Gene: ARHGEF9 (Cdc42 guanine nucleotide exchange factor 9; minus strand). Cytogenetic location: Xq11.1.
Variant type: single nucleotide variant.
Coding change: c.368G>A on transcript NM_001353921.2 (MANE Select); coding-DNA position 368, G replaced by A.
Protein change: p.Arg123His; replaces arginine 123 with histidine.
Molecular consequence: missense variant. On other transcripts: 5 prime UTR variant (1).
Genome position (GRCh38, 1-based): chrX:63,706,292, C>T on the plus strand (G>A on the coding strand, the complement: ARHGEF9 is on the minus strand). VCF-style: chrX-63706292-C-T. GRCh37 (hg19) VCF-style: chrX-62926172-C-T.
Other names: c.347G>A (NM_015185.2); c.188G>A, p.Arg63His (NM_001173479.2); c.41G>A, p.Arg14His (NM_001173480.2, NM_001369042.1); c.284G>A, p.Arg95His (NM_001330495.2, NM_001353927.2, NM_001369033.1 and 8 more transcripts); c.368G>A, p.Arg123His (NM_001353922.2); c.386G>A, p.Arg129His (NM_001353923.1); c.167G>A, p.Arg56His (NM_001353924.2, NM_001353926.2, NM_001369039.1 and 1 more transcripts); c.347G>A, p.Arg116His (NM_001353928.2, NM_001369030.1, NM_001369031.1 and 2 more transcripts); and 1 more; short protein forms R129H, R63H, R123H, R14H, R56H, R95H, R116H.
Identifiers: ClinVar variation 807732 (VCV000807732.52), dbSNP rs868956996, ClinGen allele CA413401642.

ClinVar aggregate classification (germline): Uncertain significance. Review status: criteria provided, multiple submitters, no conflicts (2 of 4 stars). 6 submissions from 6 submitters: Uncertain significance (4). 2 of the submissions do not count toward it. Last evaluated 2025-04-09.

Conditions:
Developmental and epileptic encephalopathy, 8 (DEE8). Also called: HYPEREKPLEXIA AND EPILEPSY. Identifiers: Orphanet 163985, Orphanet 2076, MedGen C1845102, MONDO:0010375, OMIM 300607.

Allele frequency attached by ClinVar (database versions not stated): gnomAD exomes below 0.00001.
gnomAD v4.1: 2 of 1,204,938 alleles (0.00017%); highest among the groups gnomAD compares: Non-Finnish European, 0.00022%; no homozygotes.

Submissions (6):

GeneDx
Classification: Uncertain significance. Last evaluated: 2025-04-09. Review status: criteria provided, single submitter. Criteria: GeneDx Variant Classification Process June 2021. Collection method: clinical testing. Allele origin: germline. Affected: yes.
Comment: In silico analysis supports that this missense variant has a deleterious effect on protein structure/function; This variant is associated with the following publications: (PMID: 38041506, 35638461)

Institute of Human Genetics, University of Leipzig Medical Center
Classification: Uncertain significance for Developmental and epileptic encephalopathy, 8. Last evaluated: 2024-10-01. Review status: criteria provided, single submitter. Criteria: ACMG Guidelines, 2015. Collection method: clinical testing. Allele origin: maternal. Inheritance: X-linked recessive inheritance. Affected: yes.
Comment: Criteria applied: PM2_SUP,PP2,PP3

Labcorp Genetics (formerly Invitae), Labcorp
Classification: Uncertain significance for Developmental and epileptic encephalopathy, 8. Last evaluated: 2024-09-17. Review status: criteria provided, single submitter. Criteria: Invitae Variant Classification Sherloc (09022015). Collection method: clinical testing. Allele origin: germline.
Comment: This sequence change replaces arginine, which is basic and polar, with histidine, which is basic and polar, at codon 116 of the ARHGEF9 protein (p.Arg116His). This variant is not present in population databases (gnomAD no frequency). This missense change has been observed in individual(s) with ARHGEF9-related conditions (PMID: 35638461). ClinVar contains an entry for this variant (Variation ID: 807732). Invitae Evidence Modeling of protein sequence and biophysical properties (such as structural, functional, and spatial information, amino acid conservation, physicochemical variation, residue mobility, and thermodynamic stability) has been performed for this missense variant. However, the output from this modeling did not meet the statistical confidence thresholds required to predict the impact of this variant on ARHGEF9 protein function. In summary, the available evidence is currently insufficient to determine the role of this variant in disease. Therefore, it has been classified as a Variant of Uncertain Significance.

CeGaT Center for Human Genetics Tuebingen
Classification: Uncertain significance. Last evaluated: 2016-06-01. Review status: criteria provided, single submitter. Criteria: CeGaT Center For Human Genetics Tuebingen Variant Classification Criteria Version 2. Collection method: clinical testing. Allele origin: germline. Affected: yes. Observed: 1 variant allele.

Diagnostic Laboratory, Department of Genetics, University Medical Center Groningen
Classification: Uncertain significance. Review status: no assertion criteria provided. Collection method: clinical testing. Allele origin: germline. Affected: yes. Study: VKGL Data-share Consensus. Not counted in ClinVar's aggregate classification.

Joint Genome Diagnostic Labs from Nijmegen and Maastricht, Radboudumc and MUMC+
Classification: Uncertain significance. Review status: no assertion criteria provided. Collection method: clinical testing. Allele origin: germline. Affected: yes. Study: VKGL Data-share Consensus. Not counted in ClinVar's aggregate classification.

Literature cited by the submitters: PubMed 35638461 (cited by Labcorp Genetics (formerly Invitae), Labcorp).